The following is an entry in ClinVar:

NM_020937.4(FANCM):c.5253G>C (p.Gln1751His)

Gene: FANCM (FA complementation group M; plus strand). Cytogenetic location: 14q21.2.
Variant type: single nucleotide variant.
Coding change: c.5253G>C on transcript NM_020937.4 (MANE Select); coding-DNA position 5253, G replaced by C.
Protein change: p.Gln1751His; replaces glutamine 1751 with histidine.
Molecular consequence: missense variant.
Genome position (GRCh38, 1-based): chr14:45,189,275, G>C. VCF-style: chr14-45189275-G-C. GRCh37 (hg19) VCF-style: chr14-45658478-G-C.
Other names: c.5175G>C, p.Gln1725His (NM_001308133.2); short protein forms Q1751H, Q1725H.
Identifiers: ClinVar variation 5036589 (VCV005036589.1).

ClinVar aggregate classification (germline): Uncertain significance (1 of 4 stars; one submission).

Conditions:
Inborn genetic diseases. Identifiers: MedGen C0950123, MeSH D030342.

Submission:

Ambry Genetics
Classification: Uncertain significance for Inborn genetic diseases. Last evaluated: 2026-06-28. Review status: criteria provided, single submitter. Criteria: Ambry Variant Classification Scheme 2023. Collection method: clinical testing. Allele origin: germline.
Comment: The p.Q1751H variant (also known as c.5253G>C), located in coding exon 20 of the FANCM gene, results from a G to C substitution at nucleotide position 5253. The glutamine at codon 1751 is replaced by histidine, an amino acid with highly similar properties. This amino acid position is conserved. In addition, this alteration is predicted to be tolerated by in silico analysis. Based on the available evidence, the clinical significance of this variant remains unclear.